The following is an entry in ClinVar:

ClinVar aggregate classification (germline): Uncertain significance (1 of 4 stars; one submission).

gnomAD v4.1: 2 of 1,613,936 alleles (0.00012%); highest among the groups gnomAD compares: Non-Finnish European, 0.00017%; no homozygotes.

Submission:

Labcorp Genetics (formerly Invitae), Labcorp
Classification: Uncertain significance. Last evaluated: 2025-04-13. Review status: criteria provided, single submitter. Criteria: Invitae Variant Classification Sherloc (09022015). Collection method: clinical testing. Allele origin: germline.
Comment: This sequence change replaces methionine, which is neutral and non-polar, with valine, which is neutral and non-polar, at codon 60 of the SLC12A6 protein (p.Met60Val). This variant is not present in population databases (gnomAD no frequency). This variant has not been reported in the literature in individuals affected with SLC12A6-related conditions. Invitae Evidence Modeling of protein sequence and biophysical properties (such as structural, functional, and spatial information, amino acid conservation, physicochemical variation, residue mobility, and thermodynamic stability) indicates that this missense variant is not expected to disrupt SLC12A6 protein function with a negative predictive value of 95%. In summary, the available evidence is currently insufficient to determine the role of this variant in disease. Therefore, it has been classified as a Variant of Uncertain Significance.

NM_001365088.1(SLC12A6):c.178A>G (p.Met60Val)

Gene: SLC12A6 (solute carrier family 12 member 6; minus strand). Cytogenetic location: 15q14.
Variant type: single nucleotide variant.
Coding change: c.178A>G on transcript NM_001365088.1 (MANE Select); coding-DNA position 178, A replaced by G.
Protein change: p.Met60Val; replaces methionine 60 with valine.
Molecular consequence: missense variant. On other transcripts: initiator codon variant (2).
Genome position (GRCh38, 1-based): chr15:34,336,503, T>C on the plus strand (A>G on the coding strand, the complement: SLC12A6 is on the minus strand). VCF-style: chr15-34336503-T-C. GRCh37 (hg19) VCF-style: chr15-34628704-T-C.
Other names: c.1A>G, p.Met1Val (NM_001042494.2, NM_001042495.2); c.151A>G, p.Met51Val (NM_001042496.2); c.178A>G, p.Met60Val (NM_001042497.2, NM_133647.2); short protein forms M1V, M51V, M60V.
Identifiers: ClinVar variation 4802384 (VCV004802384.1).